The following is an entry in ClinVar:

ClinVar aggregate classification (germline): Uncertain significance. Review status: criteria provided, multiple submitters, no conflicts (2 of 4 stars). 2 submissions from 2 submitters: Uncertain significance (2). Last evaluated 2024-08-19.

Conditions:
Fanconi anemia (FA). Also called: Fanconi's anemia. Identifiers: Orphanet 84, MedGen C0015625, MeSH D005199, MONDO:0019391.
Inborn genetic diseases. Identifiers: MedGen C0950123, MeSH D030342.

Allele frequency attached by ClinVar (database versions not stated): ExAC 0.00001; gnomAD exomes 0.00001; TOPMed 0.00001.

Submissions (2):

Labcorp Genetics (formerly Invitae), Labcorp
Classification: Uncertain significance for Fanconi anemia. Last evaluated: 2024-08-19. Review status: criteria provided, single submitter. Criteria: Invitae Variant Classification Sherloc (09022015). Collection method: clinical testing. Allele origin: germline.
Comment: This sequence change replaces valine, which is neutral and non-polar, with alanine, which is neutral and non-polar, at codon 362 of the SLX4 protein (p.Val362Ala). This variant is present in population databases (rs763640421, gnomAD no frequency). This variant has not been reported in the literature in individuals affected with SLX4-related conditions. An algorithm developed to predict the effect of missense changes on protein structure and function (PolyPhen-2) suggests that this variant is likely to be disruptive. In summary, the available evidence is currently insufficient to determine the role of this variant in disease. Therefore, it has been classified as a Variant of Uncertain Significance.

Ambry Genetics
Classification: Uncertain significance for Inborn genetic diseases. Last evaluated: 2023-12-17. Review status: criteria provided, single submitter. Criteria: Ambry Variant Classification Scheme 2023. Collection method: clinical testing. Allele origin: germline.

NM_032444.4(SLX4):c.1085T>C (p.Val362Ala)

Gene: SLX4 (SLX4 structure-specific endonuclease subunit; minus strand). Cytogenetic location: 16p13.3.
Variant type: single nucleotide variant.
Coding change: c.1085T>C on transcript NM_032444.4 (MANE Select); coding-DNA position 1085, T replaced by C.
Protein change: p.Val362Ala; replaces valine 362 with alanine.
Molecular consequence: missense variant.
Genome position (GRCh38, 1-based): chr16:3,601,057, A>G on the plus strand (T>C on the coding strand, the complement: SLX4 is on the minus strand). VCF-style: chr16-3601057-A-G. GRCh37 (hg19) VCF-style: chr16-3651058-A-G.
Other names: short protein forms V362A.
Identifiers: ClinVar variation 3166189 (VCV003166189.3), dbSNP rs763640421, ClinGen allele CA7866647.